The following is an entry in ClinVar:

NM_003072.5(SMARCA4):c.589C>T (p.Pro197Ser)

Gene: SMARCA4 (SWI/SNF related BAF chromatin remodeling complex subunit ATPase 4; plus strand). Cytogenetic location: 19p13.2.
Variant type: single nucleotide variant.
Coding change: c.589C>T on transcript NM_003072.5 (MANE Select); coding-DNA position 589, C replaced by T.
Protein change: p.Pro197Ser; replaces proline 197 with serine.
Molecular consequence: missense variant. On other transcripts: non-coding transcript variant (1).
Genome position (GRCh38, 1-based): chr19:10,986,422, C>T. VCF-style: chr19-10986422-C-T. GRCh37 (hg19) VCF-style: chr19-11097098-C-T.
Other names: c.589C>T, p.Pro197Ser (NM_001128844.3, NM_001128845.2, NM_001128846.2 and 5 more transcripts); short protein forms P197S.
Identifiers: ClinVar variation 135251 (VCV000135251.60), dbSNP rs200664441, ClinGen allele CA162147.

ClinVar aggregate classification (germline): Benign/Likely benign. Review status: criteria provided, multiple submitters, no conflicts (2 of 4 stars). 12 submissions from 12 submitters: Benign (10); Likely benign (1). 1 of the submissions does not count toward it. Last evaluated 2026-07-27.

Conditions:
Coffin-Siris syndrome. Identifiers: Orphanet 1465, MedGen C0265338, MONDO:0015452.
Hereditary cancer-predisposing syndrome. Also called: Neoplastic Syndromes, Hereditary; Tumor predisposition; Hereditary neoplastic syndrome; Hereditary Cancer Syndrome. Identifiers: Orphanet 140162, MedGen C0027672, MeSH D009386, MONDO:0015356.
Intellectual disability, autosomal dominant 16 (CSS4). Also called: COFFIN-SIRIS SYNDROME 4. Identifiers: Orphanet 1465, MedGen C3553249, MONDO:0013821, OMIM 614609.
Rhabdoid tumor predisposition syndrome 2 (RTPS2). Identifiers: Orphanet 231108, Orphanet 69077, MedGen C2750074, MONDO:0013224, OMIM 613325.

Allele frequency attached by ClinVar (database versions not stated): 1000 Genomes Project 0.00140; 1000 Genomes Project 30x 0.00141; gnomAD exomes 0.00291 and 0.00195; TOPMed 0.00084; ESP Exome Variant Server 0.00093; ExAC 0.00567.
gnomAD v4.1: 3,066 of 1,577,668 alleles (0.19%); highest among the groups gnomAD compares: South Asian, 0.71%; 17 homozygotes.

Submissions (12):

Myriad Genetics, Inc.
Classification: Benign for Rhabdoid tumor predisposition syndrome 2. Last evaluated: 2026-07-27. Review status: criteria provided, single submitter. Criteria: Myriad Autosomal Dominant, Autosomal Recessive and X-Linked Classification Criteria (2023). Collection method: clinical testing. Allele origin: unknown.
Comment: This variant is considered benign. This variant has been observed at a population frequency that is significantly greater than expected given the associated disease prevalence and penetrance. Homozygosity has been confirmed in one or more individuals. As homozygosity for pathogenic variants in this gene is generally assumed to result in embryonic lethality, this variant is unlikely to be pathogenic.

CeGaT Center for Human Genetics Tuebingen
Classification: Benign. Last evaluated: 2026-07-01. Review status: criteria provided, single submitter. Criteria: CeGaT Center For Human Genetics Tuebingen Variant Classification Criteria Version 2. Collection method: clinical testing. Allele origin: germline. Affected: yes. Observed: 59 variant alleles.
Comment: SMARCA4: BS1, BS2

Labcorp Genetics (formerly Invitae), Labcorp
Classification: Benign for Rhabdoid tumor predisposition syndrome 2. Last evaluated: 2026-02-04. Review status: criteria provided, single submitter. Criteria: Invitae Variant Classification Sherloc (09022015). Collection method: clinical testing. Allele origin: germline.

Quest Diagnostics Nichols Institute San Juan Capistrano
Classification: Benign. Last evaluated: 2025-07-24. Review status: criteria provided, single submitter. Criteria: Quest Diagnostics criteria. Collection method: clinical testing. Allele origin: unknown.

Blueprint Genetics
Classification: Likely benign. Last evaluated: 2024-11-27. Review status: criteria provided, single submitter. Criteria: ACMG Guidelines, 2015. Collection method: clinical testing. Allele origin: germline.

Genome-Nilou Lab
Classification: Benign for Intellectual disability, autosomal dominant 16. Last evaluated: 2021-07-15. Review status: criteria provided, single submitter. Criteria: ACMG Guidelines, 2015. Collection method: clinical testing. Allele origin: germline. Affected: no.

GeneDx
Classification: Benign. Last evaluated: 2018-09-24. Review status: criteria provided, single submitter. Criteria: GeneDx Variant Classification Process June 2021. Collection method: clinical testing. Allele origin: germline. Affected: yes.
Comment: This variant is associated with the following publications: (PMID: 18437052, 24728327, 22407764, 26744134, 11085541)

Illumina Laboratory Services, Illumina
Classification: Benign for Coffin-Siris syndrome. Last evaluated: 2018-01-13. Review status: criteria provided, single submitter. Criteria: ICSL Variant Classification Criteria 13 December 2019. Collection method: clinical testing. Allele origin: germline.
Comment: This variant was observed in the ICSL laboratory as part of a predisposition screen in an ostensibly healthy population. It had not been previously curated by ICSL or reported in the Human Gene Mutation Database (HGMD: prior to June 1st, 2018), and was therefore a candidate for classification through an automated scoring system. Utilizing variant allele frequency, disease prevalence and penetrance estimates, and inheritance mode, an automated score was calculated to assess if this variant is too frequent to cause the disease. Based on the score and internal cut-off values, a variant classified as benign is not then subjected to further curation. The score for this variant resulted in a classification of benign for this disease.

Genetic Services Laboratory, University of Chicago
Classification: Benign. Last evaluated: 2016-08-12. Review status: criteria provided, single submitter. Criteria: ACMG Guidelines, 2015. Collection method: clinical testing. Allele origin: germline. Affected: no.

Ambry Genetics
Classification: Benign for Hereditary cancer-predisposing syndrome. Last evaluated: 2015-05-20. Review status: criteria provided, single submitter. Criteria: Ambry Variant Classification Scheme 2023. Collection method: clinical testing. Allele origin: germline.

Breakthrough Genomics
Classification: Benign. Review status: criteria provided, single submitter. Criteria: ACMG Guidelines, 2015. Collection method: not provided. Allele origin: germline. Inheritance: Autosomal dominant inheritance. Affected: yes.

ITMI
No classification provided. Condition: AllHighlyPenetrant. Last evaluated: 2013-09-19. Review status: no classification provided. Collection method: reference population. Allele origin: germline. Not counted in ClinVar's aggregate classification.
Comment: Please see associated publication for description of ethnicities

Literature cited by the submitters: PubMed 24728327 (cited by Quest Diagnostics Nichols Institute San Juan Capistrano and ITMI); PubMed 18437052 (cited by Quest Diagnostics Nichols Institute San Juan Capistrano); PubMed 28875981 (cited by Quest Diagnostics Nichols Institute San Juan Capistrano); PubMed 26744134 (cited by Quest Diagnostics Nichols Institute San Juan Capistrano).